The following is an entry in ClinVar:

NM_001182.5(ALDH7A1):c.394-1G>A

Gene: ALDH7A1 (aldehyde dehydrogenase 7 family member A1; minus strand). Cytogenetic location: 5q23.2.
Variant type: single nucleotide variant.
Coding change: c.394-1G>A on transcript NM_001182.5 (MANE Select); the canonical splice acceptor site of the intron before coding-DNA position 394, G replaced by A.
Molecular consequence: splice acceptor variant.
Genome position (GRCh38, 1-based): chr5:126,582,975, C>T on the plus strand (G>A on the coding strand, the complement: ALDH7A1 is on the minus strand). VCF-style: chr5-126582975-C-T. GRCh37 (hg19) VCF-style: chr5-125918667-C-T.
Other names: c.394-1G>A (NM_001202404.2); c.310-1G>A (NM_001201377.2).
Identifiers: ClinVar variation 3609561 (VCV003609561.2).

ClinVar aggregate classification (germline): Likely pathogenic (1 of 4 stars; one submission).

Conditions:
Pyridoxine-dependent epilepsy (EPEO4). Also called: Pyridoxine-Dependent Seizures; PYRIDOXINE DEPENDENCY WITH SEIZURES; Pyridoxine-Dependent Epilepsy - ALDH7A1; EPILEPSY, EARLY-ONSET, 4, VITAMIN B6-DEPENDENT. Identifiers: Orphanet 3006, MedGen C1849508, MONDO:0009945, OMIM 266100. Disease mechanism: loss of function.

gnomAD v4.1: 1 of 1,613,870 alleles (0.000062%); highest among the groups gnomAD compares: Non-Finnish European, 0.000085%; no homozygotes.

Submission:

Labcorp Genetics (formerly Invitae), Labcorp
Classification: Likely pathogenic for Pyridoxine-dependent epilepsy. Last evaluated: 2024-08-23. Review status: criteria provided, single submitter. Criteria: Invitae Variant Classification Sherloc (09022015). Collection method: clinical testing. Allele origin: germline.
Comment: This sequence change affects an acceptor splice site in intron 4 of the ALDH7A1 gene. It is expected to disrupt RNA splicing. Variants that disrupt the donor or acceptor splice site typically lead to a loss of protein function (PMID: 16199547), and loss-of-function variants in ALDH7A1 are known to be pathogenic (PMID: 16491085, 20554659). This variant is not present in population databases (gnomAD no frequency). Disruption of this splice site has been observed in individual(s) with clinical features of pyridoxine-dependent epilepsy (PMID: 30043187). Algorithms developed to predict the effect of sequence changes on RNA splicing suggest that this variant may disrupt the consensus splice site. In summary, the currently available evidence indicates that the variant is pathogenic, but additional data are needed to prove that conclusively. Therefore, this variant has been classified as Likely Pathogenic.

Literature cited by the submitters: PubMed 16199547; PubMed 16491085; PubMed 20554659; PubMed 30043187.